The following is an entry in ClinVar:

ClinVar aggregate classification (germline): Uncertain significance (1 of 4 stars; one submission).

Conditions:
Brugada syndrome 8 (BRGDA8). Identifiers: Orphanet 130, MedGen C2751083, MONDO:0013148, OMIM 613123.

Submission:

Labcorp Genetics (formerly Invitae), Labcorp
Classification: Uncertain significance for Brugada syndrome 8. Last evaluated: 2025-09-13. Review status: criteria provided, single submitter. Criteria: Invitae Variant Classification Sherloc (09022015). Collection method: clinical testing. Allele origin: germline.
Comment: This sequence change replaces cysteine, which is neutral and slightly polar, with arginine, which is basic and polar, at codon 93 of the HCN4 protein (p.Cys93Arg). This variant is not present in population databases (gnomAD no frequency). This variant has not been reported in the literature in individuals affected with HCN4-related conditions. Invitae Evidence Modeling of protein sequence and biophysical properties (such as structural, functional, and spatial information, amino acid conservation, physicochemical variation, residue mobility, and thermodynamic stability) has been performed for this missense variant. However, the output from this modeling did not meet the statistical confidence thresholds required to predict the impact of this variant on HCN4 protein function. In summary, the available evidence is currently insufficient to determine the role of this variant in disease. Therefore, it has been classified as a Variant of Uncertain Significance.

NM_005477.3(HCN4):c.277T>C (p.Cys93Arg)

Gene: HCN4 (hyperpolarization activated cyclic nucleotide gated potassium channel 4; minus strand). Cytogenetic location: 15q24.1.
Variant type: single nucleotide variant.
Coding change: c.277T>C on transcript NM_005477.3 (MANE Select); coding-DNA position 277, T replaced by C.
Protein change: p.Cys93Arg; replaces cysteine 93 with arginine.
Molecular consequence: missense variant.
Genome position (GRCh38, 1-based): chr15:73,367,994, A>G on the plus strand (T>C on the coding strand, the complement: HCN4 is on the minus strand). VCF-style: chr15-73367994-A-G. GRCh37 (hg19) VCF-style: chr15-73660335-A-G.
Other names: short protein forms C93R.
Identifiers: ClinVar variation 4709577 (VCV004709577.1).